The following is an entry in ClinVar:

ClinVar aggregate classification (germline): Uncertain significance (1 of 4 stars; one submission).

Conditions:
Spastic paraplegia. Identifiers: MedGen C0037772, HP:0001258.

Allele frequency attached by ClinVar (database versions not stated): gnomAD exomes 0.00001.
gnomAD v4.1: 9 of 1,614,126 alleles (0.00056%); highest among the groups gnomAD compares: Non-Finnish European, 0.00076%; no homozygotes.

Submission:

Labcorp Genetics (formerly Invitae), Labcorp
Classification: Uncertain significance for Spastic paraplegia. Last evaluated: 2022-07-06. Review status: criteria provided, single submitter. Criteria: Invitae Variant Classification Sherloc (09022015). Collection method: clinical testing. Allele origin: germline.
Comment: This sequence change replaces proline, which is neutral and non-polar, with serine, which is neutral and polar, at codon 249 of the SACS protein (p.Pro249Ser). This variant is not present in population databases (gnomAD no frequency). This variant has not been reported in the literature in individuals affected with SACS-related conditions. Advanced modeling of protein sequence and biophysical properties (such as structural, functional, and spatial information, amino acid conservation, physicochemical variation, residue mobility, and thermodynamic stability) performed at Invitae indicates that this missense variant is expected to disrupt SACS protein function. In summary, the available evidence is currently insufficient to determine the role of this variant in disease. Therefore, it has been classified as a Variant of Uncertain Significance.

NM_014363.6(SACS):c.745C>T (p.Pro249Ser)

Gene: SACS (sacsin molecular chaperone; minus strand). Cytogenetic location: 13q12.12.
Variant type: single nucleotide variant.
Coding change: c.745C>T on transcript NM_014363.6 (MANE Select); coding-DNA position 745, C replaced by T.
Protein change: p.Pro249Ser; replaces proline 249 with serine.
Molecular consequence: missense variant.
Genome position (GRCh38, 1-based): chr13:23,355,867, G>A on the plus strand (C>T on the coding strand, the complement: SACS is on the minus strand). VCF-style: chr13-23355867-G-A. GRCh37 (hg19) VCF-style: chr13-23930006-G-A.
Other names: c.304C>T, p.Pro102Ser (NM_001278055.2); short protein forms P249S, P102S.
Identifiers: ClinVar variation 2192194 (VCV002192194.4), dbSNP rs975426652, ClinGen allele CA246678516.